The following is an entry in ClinVar:

NM_014363.6(SACS):c.10383A>C (p.Glu3461Asp)

Gene: SACS (sacsin molecular chaperone; minus strand). Cytogenetic location: 13q12.12.
Variant type: single nucleotide variant.
Coding change: c.10383A>C on transcript NM_014363.6 (MANE Select); coding-DNA position 10383, A replaced by C.
Protein change: p.Glu3461Asp; replaces glutamic acid 3461 with aspartic acid.
Molecular consequence: missense variant.
Genome position (GRCh38, 1-based): chr13:23,333,493, T>G on the plus strand (A>C on the coding strand, the complement: SACS is on the minus strand). VCF-style: chr13-23333493-T-G. GRCh37 (hg19) VCF-style: chr13-23907632-T-G.
Other names: p.Glu3461Asp; c.9942A>C, p.Glu3314Asp (NM_001278055.2); c.10410A>C, p.Glu3470Asp (NM_001437336.1); short protein forms E3461D, E3470D, E3314D.
Identifiers: ClinVar variation 4541757 (VCV004541757.1).

ClinVar aggregate classification (germline): Uncertain significance (1 of 4 stars; one submission).

gnomAD v4.1: 3 of 1,613,246 alleles (0.00019%); highest among the groups gnomAD compares: Non-Finnish European, 0.00025%; no homozygotes.

Submission:

Mayo Clinic Laboratories, Mayo Clinic
Classification: Uncertain significance. Last evaluated: 2025-05-20. Review status: criteria provided, single submitter. Criteria: ACMG Guidelines, 2015. Collection method: clinical testing. Allele origin: germline. Observed: 1 variant allele.
Comment: BP4